The following is an entry in ClinVar:

ClinVar aggregate classification (germline): Conflicting classifications of pathogenicity. Review status: criteria provided, conflicting classifications (1 of 4 stars). 2 submissions from 2 submitters: Likely pathogenic (1); Uncertain significance (1). Last evaluated 2024-12-16.

Conditions:
Hereditary cancer-predisposing syndrome. Also called: Hereditary Cancer Syndrome; Neoplastic Syndromes, Hereditary; Hereditary neoplastic syndrome; Tumor predisposition. Identifiers: Orphanet 140162, MedGen C0027672, MeSH D009386, MONDO:0015356.
Multiple endocrine neoplasia, type 1 (MEN1). Also called: MEN I; WERMER SYNDROME; Endocrine adenomatosis multiple; MEN 1; MEA I. Identifiers: Orphanet 652, MedGen C0025267, MeSH D018761, MONDO:0007540, OMIM 131100.

Submissions (2):

Ambry Genetics
Classification: Likely pathogenic for Hereditary cancer-predisposing syndrome. Last evaluated: 2024-12-16. Review status: criteria provided, single submitter. Criteria: Ambry Variant Classification Scheme 2023. Collection method: clinical testing. Allele origin: germline.
Comment: The p.L48P variant (also known as c.143T>C), located in coding exon 1 of the MEN1 gene, results from a T to C substitution at nucleotide position 143. The leucine at codon 48 is replaced by proline, an amino acid with similar properties. Based on internal structural analysis, this variant is more disruptive than known pathogenic variants (Ambry internal data). This alteration has not been reported in population-based cohorts in the Genome Aggregation Database (gnomAD). This amino acid position is highly conserved in available vertebrate species. In addition, this alteration is predicted to be deleterious by in silico analysis. Based on the majority of available evidence to date, this variant is likely to be pathogenic.

Labcorp Genetics (formerly Invitae), Labcorp
Classification: Uncertain significance for Multiple endocrine neoplasia, type 1. Last evaluated: 2021-02-11. Review status: criteria provided, single submitter. Criteria: Invitae Variant Classification Sherloc (09022015). Collection method: clinical testing. Allele origin: germline.
Comment: In summary, the available evidence is currently insufficient to determine the role of this variant in disease. Therefore, it has been classified as a Variant of Uncertain Significance. Advanced modeling of protein sequence and biophysical properties (such as structural, functional, and spatial information, amino acid conservation, physicochemical variation, residue mobility, and thermodynamic stability) performed at Invitae indicates that this missense variant is expected to disrupt MEN1 protein function. This variant has been observed in individual(s) with clinical features of multiple endocrine neoplasia type 1 (MEN1) (PMID: 30339208, 30869828). ClinVar contains an entry for this variant (Variation ID: 819220). This variant is not present in population databases (ExAC no frequency). This sequence change replaces leucine with proline at codon 48 of the MEN1 protein (p.Leu48Pro). The leucine residue is highly conserved and there is a moderate physicochemical difference between leucine and proline.

Literature cited by the submitters: PubMed 30339208 (cited by Labcorp Genetics (formerly Invitae), Labcorp); PubMed 30869828 (cited by Labcorp Genetics (formerly Invitae), Labcorp).

NM_001370259.2(MEN1):c.143T>C (p.Leu48Pro)

Gene: MEN1 (menin 1; minus strand). Cytogenetic location: 11q13.1.
Variant type: single nucleotide variant.
Coding change: c.143T>C on transcript NM_001370259.2 (MANE Select); coding-DNA position 143, T replaced by C.
Protein change: p.Leu48Pro; replaces leucine 48 with proline.
Molecular consequence: missense variant.
Genome position (GRCh38, 1-based): chr11:64,809,967, A>G on the plus strand (T>C on the coding strand, the complement: MEN1 is on the minus strand). VCF-style: chr11-64809967-A-G. GRCh37 (hg19) VCF-style: chr11-64577439-A-G.
Other names: c.143T>C, p.Leu48Pro (NM_000244.4, NM_001370251.2, NM_001370260.2 and 9 more transcripts); short protein forms L48P.
Identifiers: ClinVar variation 819220 (VCV000819220.13), dbSNP rs1592660057, ClinGen allele CA381187811.